The following is an entry in ClinVar:

ClinVar aggregate classification (germline): Uncertain significance (1 of 4 stars; one submission).

Allele frequency attached by ClinVar (database versions not stated): ExAC 0.00001; TOPMed 0.00001; gnomAD exomes 0.00003.
gnomAD v4.1: 48 of 1,614,066 alleles (0.003%); highest among the groups gnomAD compares: Non-Finnish European, 0.004%; no homozygotes.

Submission:

Labcorp Genetics (formerly Invitae), Labcorp
Classification: Uncertain significance. Last evaluated: 2024-01-08. Review status: criteria provided, single submitter. Criteria: Invitae Variant Classification Sherloc (09022015). Collection method: clinical testing. Allele origin: germline.
Comment: This sequence change replaces arginine, which is basic and polar, with tryptophan, which is neutral and slightly polar, at codon 340 of the ARNT2 protein (p.Arg340Trp). This variant is present in population databases (rs746421167, gnomAD 0.003%). This variant has not been reported in the literature in individuals affected with ARNT2-related conditions. An algorithm developed to predict the effect of missense changes on protein structure and function (PolyPhen-2) suggests that this variant is likely to be disruptive. In summary, the available evidence is currently insufficient to determine the role of this variant in disease. Therefore, it has been classified as a Variant of Uncertain Significance.

NM_014862.4(ARNT2):c.1018C>T (p.Arg340Trp)

Gene: ARNT2 (aryl hydrocarbon receptor nuclear translocator 2; plus strand). Cytogenetic location: 15q25.1.
Variant type: single nucleotide variant.
Coding change: c.1018C>T on transcript NM_014862.4 (MANE Select); coding-DNA position 1018, C replaced by T.
Protein change: p.Arg340Trp; replaces arginine 340 with tryptophan.
Molecular consequence: missense variant.
Genome position (GRCh38, 1-based): chr15:80,552,703, C>T. VCF-style: chr15-80552703-C-T. GRCh37 (hg19) VCF-style: chr15-80845044-C-T.
Other names: short protein forms R340W.
Identifiers: ClinVar variation 2913826 (VCV002913826.3), dbSNP rs746421167, ClinGen allele CA7691889.